The following is an entry in ClinVar:

ClinVar aggregate classification (germline): Uncertain significance (1 of 4 stars; one submission).

Submission:

Labcorp Genetics (formerly Invitae), Labcorp
Classification: Uncertain significance. Last evaluated: 2022-03-04. Review status: criteria provided, single submitter. Criteria: Invitae Variant Classification Sherloc (09022015). Collection method: clinical testing. Allele origin: germline.
Comment: This sequence change replaces valine, which is neutral and non-polar, with isoleucine, which is neutral and non-polar, at codon 88 of the DCDC1 protein (p.Val88Ile). This variant is not present in population databases (gnomAD no frequency). This variant has not been reported in the literature in individuals affected with DCDC1-related conditions. Algorithms developed to predict the effect of missense changes on protein structure and function output the following: SIFT: "Deleterious"; PolyPhen-2: "Benign"; Align-GVGD: "Class C25". The isoleucine amino acid residue is found in multiple mammalian species, which suggests that this missense change does not adversely affect protein function. In summary, the available evidence is currently insufficient to determine the role of this variant in disease. Therefore, it has been classified as a Variant of Uncertain Significance.

NM_001387274.1(DCDC1):c.262G>A (p.Val88Ile)

Gene: DCDC1 (doublecortin domain containing 1; minus strand). Cytogenetic location: 11p13.
Variant type: single nucleotide variant.
Coding change: c.262G>A on transcript NM_001387274.1 (MANE Select); coding-DNA position 262, G replaced by A.
Protein change: p.Val88Ile; replaces valine 88 with isoleucine.
Molecular consequence: missense variant. On other transcripts: non-coding transcript variant (1).
Genome position (GRCh38, 1-based): chr11:31,307,811, C>T on the plus strand (G>A on the coding strand, the complement: DCDC1 is on the minus strand). VCF-style: chr11-31307811-C-T. GRCh37 (hg19) VCF-style: chr11-31329358-C-T.
Other names: c.262G>A, p.Val88Ile (NM_001367979.1, NM_181807.4); short protein forms V88I.
Identifiers: ClinVar variation 1954231 (VCV001954231.5), dbSNP rs2539804314, ClinGen allele CA380095647.